The following is an entry in ClinVar:

NM_001042492.3(NF1):c.586+5del

Gene: NF1 (neurofibromin 1; plus strand). Cytogenetic location: 17q11.2.
Variant type: Deletion.
Coding change: c.586+5del on transcript NM_001042492.3 (MANE Select); 5 bases into the intron after coding-DNA position 586, one base deleted (G; older notation c.586+5delG).
Molecular consequence: intron variant.
Genome position (GRCh38, 1-based): chr17:31,170,002, G deleted. VCF-style (leftmost placement, unchanged base first): chr17-31170001-AG-A. GRCh37 (hg19) VCF-style: chr17-29497019-AG-A.
Other names: c.586+5delG (NM_000267.3); c.586+5del (NM_000267.4, NM_001128147.3).
Identifiers: ClinVar variation 573461 (VCV000573461.5), dbSNP rs1567820838, ClinGen allele CA891843776.

ClinVar aggregate classification (germline): Uncertain significance (1 of 4 stars; one submission).

Conditions:
Neurofibromatosis, type 1 (NF1). Also called: Peripheral type neurofibromatosis; VON RECKLINGHAUSEN DISEASE; Neurofibromatosis, type I; NEUROFIBROMATOSIS, TYPE I, SOMATIC. Identifiers: Orphanet 636, MedGen C0027831, MONDO:0018975, OMIM 162200. Disease mechanism: loss of function.

Submission:

Labcorp Genetics (formerly Invitae), Labcorp
Classification: Uncertain significance for Neurofibromatosis, type 1. Last evaluated: 2018-02-13. Review status: criteria provided, single submitter. Criteria: Invitae Variant Classification Sherloc (09022015). Collection method: clinical testing. Allele origin: germline.
Comment: A different variant affecting the G nucleotide at intronic +5 (c.586+5G>A) has been determined to be likely pathogenic (PMID: 10607834, 18546366, 22617876, Invitae). This suggests that this nucleotide is important for normal RNA splicing, and that other variants at this position may also be pathogenic. In summary, the available evidence is currently insufficient to determine the role of this variant in disease. Therefore, it has been classified as a Variant of Uncertain Significance. Nucleotide substitutions within the consensus splice site are a relatively common cause of aberrant splicing (PMID: 17576681, 9536098). Algorithms developed to predict the effect of sequence changes on RNA splicing suggest that this variant may disrupt the consensus splice site, but this prediction has not been confirmed by published transcriptional studies. This variant has not been reported in the literature in individuals with NF1-related disease. This variant is not present in population databases (ExAC no frequency). This sequence change falls in intron 5 of the NF1 gene. It does not directly change the encoded amino acid sequence of the NF1 protein, but it affects a nucleotide within the consensus splice site of the intron.

Literature cited by the submitters: PubMed 10607834; PubMed 18546366; PubMed 22617876; PubMed 17576681; PubMed 9536098.